The following is an entry in ClinVar:

NM_002047.4(GARS1):c.59T>C (p.Leu20Pro)

Gene: GARS1 (glycyl-tRNA synthetase 1; plus strand). Cytogenetic location: 7p14.3.
Variant type: single nucleotide variant.
Coding change: c.59T>C on transcript NM_002047.4 (MANE Select); coding-DNA position 59, T replaced by C.
Protein change: p.Leu20Pro; replaces leucine 20 with proline.
Molecular consequence: missense variant. On other transcripts: 5 prime UTR variant (1).
Genome position (GRCh38, 1-based): chr7:30,594,980, T>C. VCF-style: chr7-30594980-T-C. GRCh37 (hg19) VCF-style: chr7-30634596-T-C.
Other names: c.-104T>C (NM_001316772.1); short protein forms L20P.
Identifiers: ClinVar variation 1203950 (VCV001203950.15), dbSNP rs756664556, ClinGen allele CA4205580.

ClinVar aggregate classification (germline): Conflicting classifications of pathogenicity. Review status: criteria provided, conflicting classifications (1 of 4 stars). 4 submissions from 4 submitters: Uncertain significance (3); Likely benign (1). Last evaluated 2025-01-29.

Conditions:
Charcot-Marie-Tooth disease type 2. Also called: Charcot-Marie-Tooth type 2. Identifiers: Orphanet 64746, MedGen C0270914, MONDO:0018993.

Allele frequency attached by ClinVar (database versions not stated): gnomAD 0.00004 and 0.00003; ExAC 0.00001; gnomAD exomes 0.00001; TOPMed 0.00004.
gnomAD v4.1: 15 of 1,594,000 alleles (0.00094%); highest among the groups gnomAD compares: African/African-American, 0.012%; no homozygotes.

Submissions (4):

Labcorp Genetics (formerly Invitae), Labcorp
Classification: Likely benign for Charcot-Marie-Tooth disease type 2. Last evaluated: 2025-01-29. Review status: criteria provided, single submitter. Criteria: Invitae Variant Classification Sherloc (09022015). Collection method: clinical testing. Allele origin: germline.

GeneDx
Classification: Uncertain significance. Last evaluated: 2024-08-21. Review status: criteria provided, single submitter. Criteria: GeneDx Variant Classification Process June 2021. Collection method: clinical testing. Allele origin: germline. Affected: yes.
Comment: In silico analysis indicates that this missense variant does not alter protein structure/function; Has not been previously published as pathogenic or benign to our knowledge

Ambry Genetics
Classification: Uncertain significance. Last evaluated: 2024-04-01. Review status: criteria provided, single submitter. Criteria: Ambry Variant Classification Scheme 2023. Collection method: clinical testing. Allele origin: germline.

Women's Health and Genetics/Laboratory Corporation of America, LabCorp
Classification: Uncertain significance. Last evaluated: 2024-01-04. Review status: criteria provided, single submitter. Criteria: LabCorp Variant Classification Summary - May 2015. Collection method: clinical testing. Allele origin: germline.
Comment: Variant summary: GARS1 c.59T>C (p.Leu20Pro) results in a non-conservative amino acid change in the encoded protein sequence. Four of five in-silico tools predict a benign effect of the variant on protein function. The variant allele was found at a frequency of 9.4e-06 in 1594000 control chromosomes. This frequency is not significantly higher than estimated for a pathogenic variant in GARS1 causing GARS1-Related Disorders, allowing no conclusion about variant significance. To our knowledge, no occurrence of c.59T>C in individuals affected with GARS1-Related Disorders and no experimental evidence demonstrating its impact on protein function have been reported. ClinVar contains an entry for this variant (Variation ID: 1203950). Based on the evidence outlined above, the variant was classified as uncertain significance.